The following is an entry in ClinVar:

ClinVar aggregate classification (germline): Uncertain significance. Review status: criteria provided, multiple submitters, no conflicts (2 of 4 stars). 3 submissions from 3 submitters: Uncertain significance (3). Last evaluated 2025-06-09.

Conditions:
Hereditary cancer-predisposing syndrome. Also called: Hereditary neoplastic syndrome; Tumor predisposition; Neoplastic Syndromes, Hereditary; Hereditary Cancer Syndrome. Identifiers: Orphanet 140162, MedGen C0027672, MeSH D009386, MONDO:0015356.
Birt-Hogg-Dube syndrome. Also called: Birt Hogg Dubé syndrome. Identifiers: Orphanet 122, MedGen C0346010, MONDO:0800444.

Allele frequency attached by ClinVar (database versions not stated): TOPMed below 0.00001.

Submissions (3):

Labcorp Genetics (formerly Invitae), Labcorp
Classification: Uncertain significance for Birt-Hogg-Dube syndrome. Last evaluated: 2025-06-09. Review status: criteria provided, single submitter. Criteria: Invitae Variant Classification Sherloc (09022015). Collection method: clinical testing. Allele origin: germline.
Comment: This sequence change replaces leucine, which is neutral and non-polar, with glutamine, which is neutral and polar, at codon 269 of the FLCN protein (p.Leu269Gln). This variant is not present in population databases (gnomAD no frequency). This variant has not been reported in the literature in individuals affected with FLCN-related conditions. ClinVar contains an entry for this variant (Variation ID: 2451824). Invitae Evidence Modeling of protein sequence and biophysical properties (such as structural, functional, and spatial information, amino acid conservation, physicochemical variation, residue mobility, and thermodynamic stability) indicates that this missense variant is not expected to disrupt FLCN protein function with a negative predictive value of 80%. In summary, the available evidence is currently insufficient to determine the role of this variant in disease. Therefore, it has been classified as a Variant of Uncertain Significance.

Quest Diagnostics Nichols Institute San Juan Capistrano
Classification: Uncertain significance. Last evaluated: 2025-03-07. Review status: criteria provided, single submitter. Criteria: Quest Diagnostics criteria. Collection method: clinical testing. Allele origin: unknown.
Comment: The FLCN c.806T>A (p.Leu269Gln) variant has not been reported in individuals with FLCN-related conditions in the published literature. It also has not been reported in large, multi-ethnic general populations (Genome Aggregation Database). Analysis of this variant using bioinformatics tools for the prediction of the effect of amino acid changes on protein structure and function yielded predictions that this variant is damaging. Based on the available information, we are unable to determine the clinical significance of this variant.

Ambry Genetics
Classification: Uncertain significance for Hereditary cancer-predisposing syndrome. Last evaluated: 2022-12-03. Review status: criteria provided, single submitter. Criteria: Ambry Variant Classification Scheme 2023. Collection method: clinical testing. Allele origin: germline.
Comment: The p.L269Q variant (also known as c.806T>A), located in coding exon 5 of the FLCN gene, results from a T to A substitution at nucleotide position 806. The leucine at codon 269 is replaced by glutamine, an amino acid with dissimilar properties. This amino acid position is conserved. In addition, this alteration is predicted to be deleterious by in silico analysis. Since supporting evidence is limited at this time, the clinical significance of this alteration remains unclear.

NM_144997.7(FLCN):c.806T>A (p.Leu269Gln)

Gene: FLCN (folliculin; minus strand). Cytogenetic location: 17p11.2.
Variant type: single nucleotide variant.
Coding change: c.806T>A on transcript NM_144997.7 (MANE Select); coding-DNA position 806, T replaced by A.
Protein change: p.Leu269Gln; replaces leucine 269 with glutamine.
Molecular consequence: missense variant.
Genome position (GRCh38, 1-based): chr17:17,221,602, A>T on the plus strand (T>A on the coding strand, the complement: FLCN is on the minus strand). VCF-style: chr17-17221602-A-T. GRCh37 (hg19) VCF-style: chr17-17124916-A-T.
Other names: c.860T>A, p.Leu287Gln (NM_001353229.2); c.806T>A, p.Leu269Gln (NM_001353230.2, NM_001353231.2, NM_144606.7); c.806T>A (NM_144997.6); short protein forms L287Q, L269Q.
Identifiers: ClinVar variation 2451824 (VCV002451824.5), dbSNP rs2047092262, ClinGen allele CA398533751.
Genomic context (GRCh38, chr17:17,221,602, plus strand): 5'-AGCTTCTCCATCTGGACCAAGGTATCCTCGGTCGGAGCACCTTCCAGGAGCTTCTCGGTC[A>T]GCCGGCTGCCACACGCCTTCAGGAGCCTGGAGAACACAGCACCAGCTATGAGCGTTCTCG-3'
Protein context (NP_659434.2, residues 259-279): AWLLKACGSR[Leu269Gln]TEKLLEGAPT